The following is an entry in ClinVar:

ClinVar aggregate classification (germline): Uncertain significance (1 of 4 stars; one submission).

Conditions:
COL4A6-related disorder. Also called: COL4A6-related condition.

gnomAD v4.1: 2 of 1,207,324 alleles (0.00017%); highest among the groups gnomAD compares: South Asian, 0.0018%; no homozygotes.

Submission:

PreventionGenetics, part of Exact Sciences
Classification: Uncertain significance for COL4A6-related condition. Last evaluated: 2026-03-28. Review status: criteria provided, single submitter. Criteria: ACMG Guidelines, 2015. Collection method: clinical testing. Allele origin: germline.
Comment: The COL4A6 c.4259C>G variant is predicted to result in the amino acid substitution p.Pro1420Arg. To our knowledge, this variant has not been reported in the literature. This variant is reported in 0.0054% of alleles in individuals of South Asian descent in gnomAD. At this time, the clinical significance of this variant is uncertain due to the absence of conclusive functional and genetic evidence.

NM_033641.4(COL4A6):c.4256C>G (p.Pro1419Arg)

Gene: COL4A6 (collagen type IV alpha 6 chain; minus strand). Cytogenetic location: Xq22.3.
Variant type: single nucleotide variant.
Coding change: c.4256C>G on transcript NM_033641.4 (MANE Select); coding-DNA position 4256, C replaced by G.
Protein change: p.Pro1419Arg; replaces proline 1419 with arginine.
Molecular consequence: missense variant.
Genome position (GRCh38, 1-based): chrX:108,161,696, G>C on the plus strand (C>G on the coding strand, the complement: COL4A6 is on the minus strand). VCF-style: chrX-108161696-G-C. GRCh37 (hg19) VCF-style: chrX-107404926-G-C.
Other names: c.4307C>G, p.Pro1436Arg (NM_001287758.2); c.4184C>G, p.Pro1395Arg (NM_001287759.2); c.4085C>G, p.Pro1362Arg (NM_001287760.2); c.4259C>G, p.Pro1420Arg (NM_001847.4); short protein forms P1362R, P1436R, P1420R, P1395R, P1419R.
Identifiers: ClinVar variation 4991024 (VCV004991024.1).